The following is an entry in ClinVar:

NM_003579.4(RAD54L):c.829A>C (p.Thr277Pro)

Gene: RAD54L (RAD54 like; plus strand). Cytogenetic location: 1p34.1.
Variant type: single nucleotide variant.
Coding change: c.829A>C on transcript NM_003579.4 (MANE Select); coding-DNA position 829, A replaced by C.
Protein change: p.Thr277Pro; replaces threonine 277 with proline.
Molecular consequence: missense variant.
Genome position (GRCh38, 1-based): chr1:46,261,323, A>C. VCF-style: chr1-46261323-A-C. GRCh37 (hg19) VCF-style: chr1-46726995-A-C.
Other names: c.829A>C, p.Thr277Pro (NM_001142548.2); c.289A>C, p.Thr97Pro (NM_001370766.1); short protein forms T277P, T97P.
Identifiers: ClinVar variation 3312472 (VCV003312472.1).
Genomic context (GRCh38, chr1:46,261,323, plus strand): 5'-GGATTCATGAACCAGCGTGGAGCCAGGGTGTCTTCTCCCATCCTCATCATTTCCTATGAG[A>C]CCTTCCGCCTTCATGTTGGAGTCCTCCAGAAAGGAAGTGTTGGTCTGGTCATATGTGACG-3'
Protein context (NP_003570.2, residues 267-287): SSPILIISYE[Thr277Pro]FRLHVGVLQK

ClinVar aggregate classification (germline): Uncertain significance (1 of 4 stars; one submission).

Submission:

Ambry Genetics
Classification: Uncertain significance. Last evaluated: 2024-05-17. Review status: criteria provided, single submitter. Criteria: Ambry Variant Classification Scheme 2023. Collection method: clinical testing. Allele origin: germline.
Comment: The p.T277P variant (also known as c.829A>C), located in coding exon 8 of the RAD54L gene, results from an A to C substitution at nucleotide position 829. The threonine at codon 277 is replaced by proline, an amino acid with highly similar properties. This amino acid position is conserved. In addition, this alteration is predicted to be deleterious by in silico analysis. Based on the available evidence, the clinical significance of this variant remains unclear.